The following is an entry in ClinVar:

ClinVar aggregate classification (germline): Uncertain significance (1 of 4 stars; one submission).

Conditions:
Gorlin syndrome. Also called: Basal cell nevus syndrome; Nevoid Basal Cell Carcinoma Syndrome. Identifiers: Orphanet 377, MedGen C0004779, MONDO:0007187.

Allele frequency attached by ClinVar (database versions not stated): gnomAD exomes below 0.00001.
gnomAD v4.1: 1 of 1,613,014 alleles (0.000062%); highest among the groups gnomAD compares: Non-Finnish European, 0.000085%; no homozygotes.

Submission:

Labcorp Genetics (formerly Invitae), Labcorp
Classification: Uncertain significance for Gorlin syndrome. Last evaluated: 2021-06-10. Review status: criteria provided, single submitter. Criteria: Invitae Variant Classification Sherloc (09022015). Collection method: clinical testing. Allele origin: germline.
Comment: This sequence change replaces alanine with valine at codon 1356 of the PTCH1 protein (p.Ala1356Val). The alanine residue is weakly conserved and there is a small physicochemical difference between alanine and valine. This variant is not present in population databases (ExAC no frequency). This variant has not been reported in the literature in individuals with PTCH1-related conditions. Advanced modeling of protein sequence and biophysical properties (such as structural, functional, and spatial information, amino acid conservation, physicochemical variation, residue mobility, and thermodynamic stability) performed at Invitae indicates that this missense variant is not expected to disrupt PTCH1 protein function. In summary, the available evidence is currently insufficient to determine the role of this variant in disease. Therefore, it has been classified as a Variant of Uncertain Significance.

NM_000264.5(PTCH1):c.4067C>T (p.Ala1356Val)

Gene: PTCH1 (patched 1; minus strand). Cytogenetic location: 9q22.32.
Variant type: single nucleotide variant.
Coding change: c.4067C>T on transcript NM_000264.5 (MANE Select); coding-DNA position 4067, C replaced by T.
Protein change: p.Ala1356Val; replaces alanine 1356 with valine.
Molecular consequence: missense variant. On other transcripts: non-coding transcript variant (1).
Genome position (GRCh38, 1-based): chr9:95,447,189, G>A on the plus strand (C>T on the coding strand, the complement: PTCH1 is on the minus strand). VCF-style: chr9-95447189-G-A. GRCh37 (hg19) VCF-style: chr9-98209471-G-A.
Other names: c.3869C>T, p.Ala1290Val (NM_001083602.3); c.4064C>T, p.Ala1355Val (NM_001083603.3); c.3614C>T, p.Ala1205Val (NM_001083604.3, NM_001083605.3, NM_001083606.3 and 1 more transcripts); c.3911C>T, p.Ala1304Val (NM_001354918.2); short protein forms A1205V, A1290V, A1304V, A1356V, A1355V.
Identifiers: ClinVar variation 1431346 (VCV001431346.8), dbSNP rs2136577556, ClinGen allele CA374110383.